The following is an entry in ClinVar:

NM_001197104.2(KMT2A):c.5608A>G (p.Ile1870Val)

Gene: KMT2A (lysine methyltransferase 2A; plus strand). Cytogenetic location: 11q23.3.
Variant type: single nucleotide variant.
Coding change: c.5608A>G on transcript NM_001197104.2 (MANE Select); coding-DNA position 5608, A replaced by G.
Protein change: p.Ile1870Val; replaces isoleucine 1870 with valine.
Molecular consequence: missense variant.
Genome position (GRCh38, 1-based): chr11:118,496,311, A>G. VCF-style: chr11-118496311-A-G. GRCh37 (hg19) VCF-style: chr11-118367026-A-G.
Other names: c.5698A>G, p.Ile1900Val (NM_001412597.1); c.5599A>G, p.Ile1867Val (NM_005933.4); short protein forms I1867V, I1870V, I1900V.
Identifiers: ClinVar variation 4536710 (VCV004536710.1).

ClinVar aggregate classification (germline): Uncertain significance (1 of 4 stars; one submission).

Submission:

Women's Health and Genetics/Laboratory Corporation of America, LabCorp
Classification: Uncertain significance. Last evaluated: 2025-11-14. Review status: criteria provided, single submitter. Criteria: LabCorp Variant Classification Summary - May 2015. Collection method: clinical testing. Allele origin: germline.
Comment: Variant summary: KMT2A c.5608A>G (p.Ile1870Val) results in a conservative amino acid change located in the Extended PHD (ePHD) domain (IPR034732) of the encoded protein sequence. Algorithms developed to predict the effect of missense changes on protein structure and function are either unavailable or do not agree on the potential impact of this missense change. The variant was absent in 251478 control chromosomes. The available data on variant occurrences in the general population are insufficient to allow any conclusion about variant significance. To our knowledge, no occurrence of c.5608A>G in individuals affected with KMT2A-related conditions and no experimental evidence demonstrating its impact on protein function have been reported. No submitters have cited clinical-significance assessments for this variant to ClinVar. Based on the evidence outlined above, the variant was classified as uncertain significance.